The following is an entry in ClinVar:

ClinVar aggregate classification (germline): Pathogenic. Review status: criteria provided, multiple submitters, no conflicts (2 of 4 stars). 2 submissions from 2 submitters: Pathogenic (2). Last evaluated 2026-09-04.

Conditions:
Congenital myasthenic syndrome 4A. Also called: Myasthenic syndrome, congenital, 4a, slow-channel; CONGENITAL MYASTHENIC SYNDROME TYPE Ia1; MYASTHENIC SYNDROME, CONGENITAL, 4A, SLOW-CHANNEL, AUTOSOMAL RECESSIVE. Identifiers: Orphanet 590, MedGen C4225413, MONDO:0011600, OMIM 605809.
Congenital myasthenic syndrome (CMS). Also called: Congenital Myasthenic Syndromes. Identifiers: Orphanet 590, MedGen C0751882, MeSH D020294, MONDO:0018940.

Submissions (2):

Myriad Genetics, Inc.
Classification: Pathogenic for Congenital myasthenic syndrome. Last evaluated: 2026-09-04. Review status: criteria provided, single submitter. Criteria: Myriad Autosomal Dominant, Autosomal Recessive and X-Linked Classification Criteria (2023). Collection method: clinical testing. Allele origin: unknown.
Comment: NM_000080.3(CHRNE):c.1076_1115del40(P359Rfs*13) is a frameshift variant classified as pathogenic in the context of congenital myasthenic syndrome, CHRNE-related. P359Rfs*13 has not been observed in cases with relevant disease. Relevant functional assessments of this variant are not available in the literature. P359Rfs*13 has not been observed in referenced population frequency databases. In summary, NM_000080.3(CHRNE):c.1076_1115del40(P359Rfs*13) is a frameshift variant in a gene where loss of function is a known mechanism of disease and is predicted to disrupt protein function. Please note: this variant was assessed in the context of healthy population screening.

Labcorp Genetics (formerly Invitae), Labcorp
Classification: Pathogenic for Congenital myasthenic syndrome 4A. Last evaluated: 2020-02-15. Review status: criteria provided, single submitter. Criteria: Invitae Variant Classification Sherloc (09022015). Collection method: clinical testing. Allele origin: germline.
Comment: For these reasons, this variant has been classified as Pathogenic. Loss-of-function variants in CHRNE are known to be pathogenic (PMID: 22678886). This variant has not been reported in the literature in individuals with CHRNE-related conditions. The frequency data for this variant in the population databases is considered unreliable, as metrics indicate insufficient coverage at this position in the ExAC database. This sequence change creates a premature translational stop signal (p.Pro359Argfs*13) in the CHRNE gene. It is expected to result in an absent or disrupted protein product.

Literature cited by the submitters: PubMed 22678886 (cited by Labcorp Genetics (formerly Invitae), Labcorp).

NM_000080.4(CHRNE):c.1076_1115del (p.Pro359fs)

Genes: CHRNE (cholinergic receptor nicotinic epsilon subunit; minus strand), LOC130060041 (ATAC-STARR-seq lymphoblastoid silent region 8050; plus strand). Cytogenetic location: 17p13.2.
Variant type: Deletion.
Coding change: c.1076_1115del on transcript NM_000080.4 (MANE Select); coding-DNA positions 1076 to 1115, 40 bases deleted.
Protein change: p.Pro359fs; shifts the reading frame from proline 359.
Molecular consequence: frameshift variant.
Genome position (GRCh38, 1-based): chr17:4,899,302-4,899,341, 40 bases deleted; deleting any 40 consecutive bases within chr17:4,899,302-4,899,343 gives the same sequence; the c. name uses the placement nearest the transcript's 3' end. GRCh37 (hg19): chr17:4,802,599-4,802,638.
Other names: short protein forms P359fs.
Identifiers: ClinVar variation 1069090 (VCV001069090.9), dbSNP rs2151094632, ClinGen allele CA2499224692.